The following is an entry in ClinVar:

NM_001370259.2(MEN1):c.897C>T (p.Leu299=)

Gene: MEN1 (menin 1; minus strand). Cytogenetic location: 11q13.1.
Variant type: single nucleotide variant.
Coding change: c.897C>T on transcript NM_001370259.2 (MANE Select); coding-DNA position 897, C replaced by T.
Protein change: p.Leu299=; no amino-acid change (leucine 299 retained).
Molecular consequence: synonymous variant.
Genome position (GRCh38, 1-based): chr11:64,807,026, G>A on the plus strand (C>T on the coding strand, the complement: MEN1 is on the minus strand). VCF-style: chr11-64807026-G-A. GRCh37 (hg19) VCF-style: chr11-64574498-G-A.
Other names: c.912C>T, p.Leu304= (NM_000244.4, NM_130800.3, NM_130801.3 and 3 more transcripts); c.897C>T, p.Leu299= (NM_001370251.2, NM_001370260.2, NM_001370261.2 and 1 more transcripts); c.792C>T, p.Leu264= (NM_001370262.2, NM_001370263.2).
Identifiers: ClinVar variation 762651 (VCV000762651.16), dbSNP rs1409781409, ClinGen allele CA474983551.
Genomic context (GRCh38, chr11:64,807,026, plus strand): 5'-CCACTGTTAGGGTCTCCCTTCTGCACCCTCCTTAGATGCCCCCACCTTGTGGTAGAGGGT[G>A]AGTGGGTCTGGCCGGCCAGGGGTGGGCTCCAGCTCCTCTAGATCTGCCAGGTTCCCTAAG-3'
Protein context (NP_001357188.2, residues 289-309): LEPTPGRPDP[Leu299=]TLYHKGIASA

ClinVar aggregate classification (germline): Conflicting classifications of pathogenicity. Review status: criteria provided, conflicting classifications (1 of 4 stars). 5 submissions from 5 submitters: Uncertain significance (1); Benign (1); Likely benign (3). Last evaluated 2025-08-21.

Conditions:
Hereditary cancer-predisposing syndrome. Also called: Tumor predisposition; Hereditary Cancer Syndrome; Neoplastic Syndromes, Hereditary; Hereditary neoplastic syndrome. Identifiers: Orphanet 140162, MedGen C0027672, MeSH D009386, MONDO:0015356.
Multiple endocrine neoplasia, type 1 (MEN1). Also called: MEA I; WERMER SYNDROME; Endocrine adenomatosis multiple; MEN 1; MEN I. Identifiers: Orphanet 652, MedGen C0025267, MeSH D018761, MONDO:0007540, OMIM 131100.

Allele frequency attached by ClinVar (database versions not stated): gnomAD exomes below 0.00001.
gnomAD v4.1: 2 of 1,613,066 alleles (0.00012%); highest among the groups gnomAD compares: Non-Finnish European, 0.00017%; no homozygotes.

Submissions (5):

Labcorp Genetics (formerly Invitae), Labcorp
Classification: Likely benign for Multiple endocrine neoplasia, type 1. Last evaluated: 2025-08-21. Review status: criteria provided, single submitter. Criteria: Invitae Variant Classification Sherloc (09022015). Collection method: clinical testing. Allele origin: germline.

Myriad Genetics, Inc.
Classification: Benign for Multiple endocrine neoplasia, type 1. Last evaluated: 2024-11-04. Review status: criteria provided, single submitter. Criteria: Myriad Autosomal Dominant, Autosomal Recessive and X-Linked Classification Criteria (2023). Collection method: clinical testing. Allele origin: unknown.
Comment: This variant is considered benign. This variant is a silent/synonymous amino acid change and it is not expected to impact splicing.

Ambry Genetics
Classification: Likely benign for Hereditary cancer-predisposing syndrome. Last evaluated: 2024-04-09. Review status: criteria provided, single submitter. Criteria: Ambry Variant Classification Scheme 2023. Collection method: clinical testing. Allele origin: germline.

Color Diagnostics, LLC DBA Color Health
Classification: Likely benign for Multiple endocrine neoplasia, type 1. Last evaluated: 2022-11-06. Review status: criteria provided, single submitter. Criteria: ACMG Guidelines, 2015. Collection method: clinical testing. Allele origin: germline.

Genetic Services Laboratory, University of Chicago
Classification: Uncertain significance. Last evaluated: 2021-08-24. Review status: criteria provided, single submitter. Criteria: ACMG Guidelines, 2015. Collection method: clinical testing. Allele origin: germline. Affected: no.